The following is an entry in ClinVar:

ClinVar aggregate classification (germline): Uncertain significance (1 of 4 stars; one submission).

Conditions:
Schuurs-Hoeijmakers syndrome. Also called: PACS1-Related Neurodevelopmental Disorder. Identifiers: Orphanet 329224, MedGen C3554343, MONDO:0014006, OMIM 615009.

gnomAD v4.1: 3 of 1,610,724 alleles (0.00019%); highest among the groups gnomAD compares: Non-Finnish European, 0.00025%; no homozygotes.

Submission:

Labcorp Genetics (formerly Invitae), Labcorp
Classification: Uncertain significance for Schuurs-Hoeijmakers syndrome. Last evaluated: 2025-11-28. Review status: criteria provided, single submitter. Criteria: Invitae Variant Classification Sherloc (09022015). Collection method: clinical testing. Allele origin: germline.
Comment: This sequence change replaces arginine, which is basic and polar, with lysine, which is basic and polar, at codon 545 of the PACS1 protein (p.Arg545Lys). This variant is present in population databases (rs758424804, gnomAD 0.006%). This variant has not been reported in the literature in individuals affected with PACS1-related conditions. Invitae Evidence Modeling of protein sequence and biophysical properties (such as structural, functional, and spatial information, amino acid conservation, physicochemical variation, residue mobility, and thermodynamic stability) indicates that this missense variant is not expected to disrupt PACS1 protein function with a negative predictive value of 80%. In summary, the available evidence is currently insufficient to determine the role of this variant in disease. Therefore, it has been classified as a Variant of Uncertain Significance.

NM_018026.4(PACS1):c.1634G>A (p.Arg545Lys)

Gene: PACS1 (phosphofurin acidic cluster sorting protein 1; plus strand). Cytogenetic location: 11q13.2.
Variant type: single nucleotide variant.
Coding change: c.1634G>A on transcript NM_018026.4 (MANE Select); coding-DNA position 1634, G replaced by A.
Protein change: p.Arg545Lys; replaces arginine 545 with lysine.
Molecular consequence: missense variant.
Genome position (GRCh38, 1-based): chr11:66,232,179, G>A. VCF-style: chr11-66232179-G-A. GRCh37 (hg19) VCF-style: chr11-65999650-G-A.
Other names: short protein forms R545K.
Identifiers: ClinVar variation 4703910 (VCV004703910.1).
Genomic context (GRCh38, chr11:66,232,179, plus strand): 5'-CTCAGGCTCCCCAGGGACTCCCTAACAAGAGACACTTTCTTTTGTTCCTGCAGATTCCAA[G>A]AAAGGTGGTGTATGACCAGCTCAATCAGATCCTGGTGTCAGATGCAGCCCTCCCAGAAAA-3'
Protein context (NP_060496.2, residues 535-555): PDLGHSTQIP[Arg545Lys]KVVYDQLNQI